The following is an entry in ClinVar:

NM_014946.4(SPAST):c.1140_1141dup (p.Phe381fs)

Gene: SPAST (spastin; plus strand). Cytogenetic location: 2p22.3.
Variant type: Microsatellite.
Coding change: c.1140_1141dup on transcript NM_014946.4 (MANE Select); coding-DNA positions 1140 to 1141, 2 bases duplicated (CT; older notation c.1140_1141dupCT).
Protein change: p.Phe381fs; shifts the reading frame from phenylalanine 381.
Molecular consequence: frameshift variant.
Genome position (GRCh38, 1-based): chr2:32,126,989-32,126,990, CT duplicated; duplicating any 2 consecutive bases within chr2:32,126,987-32,126,990 gives the same sequence; the c. name uses the placement nearest the transcript's 3' end. VCF-style (leftmost placement, unchanged base first): chr2-32126986-A-ACT. GRCh37 (hg19) VCF-style: chr2-32352055-A-ACT.
Other names: c.1137_1138dup, p.Phe380fs (NM_001363823.2); c.1041_1042dup, p.Phe348fs (NM_001363875.2); c.1044_1045dup, p.Phe349fs (NM_001377959.1, NM_199436.2); c.1138_1139CT[3], p.Phe381Serfs (NM_014946.3); c.1140_1141dup (NM_014946.3); short protein forms F348fs, F349fs, F380fs, F381fs.
Identifiers: ClinVar variation 1807012 (VCV001807012.1), dbSNP rs2465860845, ClinGen allele CA2580611618.
Genomic context (GRCh38, chr2:32,126,986, plus strand): 5'-AACTAAAGTATATATTTTTTAGTTGTTCACAGGGCTTAGAGCTCCTGCCAGAGGGCTGTT[A>ACT]CTCTTTGGTCCACCTGGGAATGGGAAGACAATGCTGGTAAGGGTTCTCTTCAAATTTGAG-3'

ClinVar aggregate classification (germline): Pathogenic (1 of 4 stars; one submission).

Submission:

Athena Diagnostics
Classification: Pathogenic. Last evaluated: 2022-04-14. Review status: criteria provided, single submitter. Criteria: Athena Diagnostics Criteria. Collection method: clinical testing. Allele origin: unknown.
Comment: This variant is expected to result in the loss of a functional protein. This variant has been identified in at least one individual tested at Athena Diagnostics with clinical features associated with this gene. This variant has not been reported in large, multi-ethnic general populations.